The following is an entry in ClinVar:

ClinVar aggregate classification (germline): Uncertain significance (1 of 4 stars; one submission).

Allele frequency attached by ClinVar (database versions not stated): gnomAD 0.00003 and 0.00004; gnomAD exomes 0.00003; ExAC 0.00005; TOPMed 0.00008.
gnomAD v4.1: 32 of 1,613,956 alleles (0.002%); highest among the groups gnomAD compares: East Asian, 0.02%; no homozygotes.

Submission:

Labcorp Genetics (formerly Invitae), Labcorp
Classification: Uncertain significance. Last evaluated: 2025-05-14. Review status: criteria provided, single submitter. Criteria: Invitae Variant Classification Sherloc (09022015). Collection method: clinical testing. Allele origin: germline.
Comment: This sequence change replaces arginine, which is basic and polar, with histidine, which is basic and polar, at codon 323 of the NCSTN protein (p.Arg323His). This variant is present in population databases (rs200596888, gnomAD 0.02%). This variant has not been reported in the literature in individuals affected with NCSTN-related conditions. ClinVar contains an entry for this variant (Variation ID: 1522920). An algorithm developed to predict the effect of missense changes on protein structure and function outputs the following: PolyPhen-2: "Benign". The histidine amino acid residue is found in multiple mammalian species, which suggests that this missense change does not adversely affect protein function. In summary, the available evidence is currently insufficient to determine the role of this variant in disease. Therefore, it has been classified as a Variant of Uncertain Significance.

NM_015331.3(NCSTN):c.968G>A (p.Arg323His)

Gene: NCSTN (nicastrin; plus strand). Cytogenetic location: 1q23.2.
Variant type: single nucleotide variant.
Coding change: c.968G>A on transcript NM_015331.3 (MANE Select); coding-DNA position 968, G replaced by A.
Protein change: p.Arg323His; replaces arginine 323 with histidine.
Molecular consequence: missense variant. On other transcripts: intron variant (1).
Genome position (GRCh38, 1-based): chr1:160,352,178, G>A. VCF-style: chr1-160352178-G-A. GRCh37 (hg19) VCF-style: chr1-160321968-G-A.
Other names: c.908G>A, p.Arg303His (NM_001290184.2); c.968G>A, p.Arg323His (NM_001349729.2); c.583-709G>A (NM_001290186.2); short protein forms R323H, R303H.
Identifiers: ClinVar variation 1522920 (VCV001522920.8), dbSNP rs200596888, ClinGen allele CA1198852.